The following is an entry in ClinVar:

NM_014780.5(CUL7):c.2146C>T (p.Arg716Trp)

Gene: CUL7 (cullin 7; minus strand). Cytogenetic location: 6p21.1.
Variant type: single nucleotide variant.
Coding change: c.2146C>T on transcript NM_014780.5 (MANE Select); coding-DNA position 2146, C replaced by T.
Protein change: p.Arg716Trp; replaces arginine 716 with tryptophan.
Molecular consequence: missense variant.
Genome position (GRCh38, 1-based): chr6:43,048,171, G>A on the plus strand (C>T on the coding strand, the complement: CUL7 is on the minus strand). VCF-style: chr6-43048171-G-A. GRCh37 (hg19) VCF-style: chr6-43015909-G-A.
Other names: c.2242C>T, p.Arg748Trp (NM_001168370.2, NM_001374872.1); c.2146C>T, p.Arg716Trp (NM_001374873.1, NM_001374874.1); short protein forms R716W, R748W.
Identifiers: ClinVar variation 356842 (VCV000356842.11), dbSNP rs753407734, ClinGen allele CA3813978.
Genomic context (GRCh38, chr6:43,048,171, plus strand): 5'-TCTCCCCCAGCCTCTCCCCAGAGCAGGGCAGGGGTACCTCTCGATCAGTGTTTGGGGACC[G>A]CAGGCAGGCCATGCAGGCATCCACGGCCTCGTGCCAGGGGAGCAGCAGTGCCTCGGGGAA-3'
Protein context (NP_055595.2, residues 706-726): EAVDACMACL[Arg716Trp]SPNTDREVLQ

ClinVar aggregate classification (germline): Uncertain significance. Review status: criteria provided, multiple submitters, no conflicts (2 of 4 stars). 3 submissions from 3 submitters: Uncertain significance (3). Last evaluated 2025-06-07.

Conditions:
Inborn genetic diseases. Identifiers: MedGen C0950123, MeSH D030342.
3M syndrome 1. Also called: 3-M Syndrome, CUL7-Related. Identifiers: Orphanet 2616, MedGen C2678312, MONDO:0010117, OMIM 273750.

Allele frequency attached by ClinVar (database versions not stated): ExAC 0.00003; gnomAD 0.00003 and 0.00004; gnomAD exomes 0.00003 and 0.00004; TOPMed 0.00003.
gnomAD v4.1: 55 of 1,612,488 alleles (0.0034%); highest among the groups gnomAD compares: South Asian, 0.018%; no homozygotes.

Submissions (3):

Ambry Genetics
Classification: Uncertain significance for Inborn genetic diseases. Last evaluated: 2025-06-07. Review status: criteria provided, single submitter. Criteria: Ambry Variant Classification Scheme 2023. Collection method: clinical testing. Allele origin: germline.

Labcorp Genetics (formerly Invitae), Labcorp
Classification: Uncertain significance. Last evaluated: 2021-08-24. Review status: criteria provided, single submitter. Criteria: Invitae Variant Classification Sherloc (09022015). Collection method: clinical testing. Allele origin: germline.
Comment: This sequence change replaces arginine with tryptophan at codon 716 of the CUL7 protein (p.Arg716Trp). The arginine residue is moderately conserved and there is a moderate physicochemical difference between arginine and tryptophan. This variant is present in population databases (rs753407734, ExAC 0.006%). This variant has not been reported in the literature in individuals affected with CUL7-related conditions. ClinVar contains an entry for this variant (Variation ID: 356842). Algorithms developed to predict the effect of missense changes on protein structure and function are either unavailable or do not agree on the potential impact of this missense change (SIFT: "Deleterious"; PolyPhen-2: "Possibly Damaging"; Align-GVGD: "Class C0"). In summary, the available evidence is currently insufficient to determine the role of this variant in disease. Therefore, it has been classified as a Variant of Uncertain Significance.

Illumina Laboratory Services, Illumina
Classification: Uncertain significance for 3M syndrome 1. Last evaluated: 2018-01-13. Review status: criteria provided, single submitter. Criteria: ICSL Variant Classification Criteria 13 December 2019. Collection method: clinical testing. Allele origin: germline.